The following is an entry in ClinVar:

ClinVar aggregate classification (germline): Likely benign (0 of 4 stars; one submission).

Conditions:
CTU2-related disorder. Also called: CTU2-related condition.

Allele frequency attached by ClinVar (database versions not stated): gnomAD 0.00001; TOPMed 0.00001; ExAC 0.00002.
gnomAD v4.1: 24 of 1,612,514 alleles (0.0015%); highest among the groups gnomAD compares: South Asian, 0.0022%; no homozygotes.

Submission:

PreventionGenetics, part of Exact Sciences
Classification: Likely benign for CTU2-related condition. Last evaluated: 2019-10-28. Review status: no assertion criteria provided. Collection method: clinical testing. Allele origin: germline.
Comment: This variant is classified as likely benign based on ACMG/AMP sequence variant interpretation guidelines (Richards et al. 2015 PMID: 25741868, with internal and published modifications).

NM_001012759.3(CTU2):c.1183C>T (p.Leu395=)

Gene: CTU2 (cytosolic thiouridylase subunit 2; plus strand). Cytogenetic location: 16q24.3.
Variant type: single nucleotide variant.
Coding change: c.1183C>T on transcript NM_001012759.3 (MANE Select); coding-DNA position 1183, C replaced by T.
Protein change: p.Leu395=; no amino-acid change (leucine 395 retained).
Molecular consequence: synonymous variant.
Genome position (GRCh38, 1-based): chr16:88,714,468, C>T. VCF-style: chr16-88714468-C-T. GRCh37 (hg19) VCF-style: chr16-88780876-C-T.
Other names: c.1183C>T, p.Leu395= (NM_001012762.3); c.1396C>T, p.Leu466= (NM_001318507.2); c.922C>T, p.Leu308= (NM_001318513.2).
Identifiers: ClinVar variation 3045763 (VCV003045763.2), dbSNP rs770038426, ClinGen allele CA8230884.
Genomic context (GRCh38, chr16:88,714,468, plus strand): 5'-CCCCGGGATGGCCCTGCTGCTGGCGACTCCGGCCCCCGCTGCCTCCTCTGCATGTGTGCC[C>T]TGGACGTCGACGCCGCTGGTCTGTGTTTCATGCTCTTGGGGTGATGCGGGGAGGGAGCCA-3'
Protein context (NP_001012777.1, residues 385-405): GPRCLLCMCA[Leu395=]DVDAADSATA